The following is an entry in ClinVar:

ClinVar aggregate classification (germline): Likely pathogenic (1 of 4 stars; one submission).

Conditions:
Polyendocrine-polyneuropathy syndrome (PEPNS). Identifiers: Orphanet 453533, MedGen C4015261, MONDO:0014497, OMIM 616113.
Developmental and epileptic encephalopathy, 81. Also called: EPILEPTIC ENCEPHALOPATHY, EARLY INFANTILE, 81. Identifiers: MedGen C5231450, MONDO:0032858, OMIM 618663.

Submission:

First Genomix Gene Laboratory, Genetic Diagnostics Department
Classification: Likely pathogenic for Polyendocrine-polyneuropathy syndrome; Developmental and epileptic encephalopathy, 81. Last evaluated: 2025-01-17. Review status: criteria provided, single submitter. Criteria: ACMG Guidelines, 2015. Collection method: clinical testing. Allele origin: germline. Inheritance: Autosomal recessive inheritance. Affected: no. Observed: 1 variant allele.

NM_001378457.1(DMXL2):c.2911dup (p.Ile971fs)

Gene: DMXL2 (Dmx like 2; minus strand). Cytogenetic location: 15q21.2.
Variant type: Duplication.
Coding change: c.2911dup on transcript NM_001378457.1 (MANE Select); coding-DNA position 2911, one base duplicated (A; older notation c.2911dupA).
Protein change: p.Ile971fs; shifts the reading frame from isoleucine 971.
Molecular consequence: frameshift variant. On other transcripts: non-coding transcript variant (2), intron variant (2).
Genome position (GRCh38, 1-based): chr15:51,502,887, T duplicated on the plus strand (A on the coding strand, the reverse complement: DMXL2 is on the minus strand). VCF-style (leftmost placement, unchanged base first): chr15-51502886-A-AT. GRCh37 (hg19) VCF-style: chr15-51795083-A-AT.
Other names: c.2911dup, p.Ile971fs (NM_001174116.3, NM_001378458.1, NM_001378459.1 and 4 more transcripts); c.2911dupA (NM_001174116.3); c.2671dup, p.Ile891fs (NM_001378464.1); c.2764+4247dup (NM_001378460.1, NM_001174117.3); short protein forms I891fs, I971fs.
Identifiers: ClinVar variation 4845702 (VCV004845702.1).